The following is an entry in ClinVar:

NM_000814.6(GABRB3):c.557C>T (p.Thr186Met)

Gene: GABRB3 (gamma-aminobutyric acid type A receptor subunit beta3; minus strand). Cytogenetic location: 15q12.
Variant type: single nucleotide variant.
Coding change: c.557C>T on transcript NM_000814.6 (MANE Select); coding-DNA position 557, C replaced by T.
Protein change: p.Thr186Met; replaces threonine 186 with methionine.
Molecular consequence: missense variant.
Genome position (GRCh38, 1-based): chr15:26,580,444, G>A on the plus strand (C>T on the coding strand, the complement: GABRB3 is on the minus strand). VCF-style: chr15-26580444-G-A. GRCh37 (hg19) VCF-style: chr15-26825591-G-A.
Other names: c.302C>T, p.Thr101Met (NM_001191320.2, NM_001278631.2); c.344C>T, p.Thr115Met (NM_001191321.3); c.557C>T, p.Thr186Met (NM_021912.5); short protein forms T186M, T115M, T101M.
Identifiers: ClinVar variation 571274 (VCV000571274.14), dbSNP rs769801846, ClinGen allele CA7437406.

ClinVar aggregate classification (germline): Conflicting classifications of pathogenicity. Review status: criteria provided, conflicting classifications (1 of 4 stars). 3 submissions from 3 submitters: Uncertain significance (2); Likely benign (1). Last evaluated 2024-04-24.

Conditions:
Developmental and epileptic encephalopathy, 43 (DEE43). Also called: Epileptic encephalopathy, early infantile, 43. Identifiers: MedGen C4310712, MONDO:0014921, OMIM 617113.
Epilepsy, childhood absence, susceptibility to, 5. Identifiers: Orphanet 64280, MedGen C2677087, MONDO:0012843, OMIM 612269.
Epilepsy, childhood absence, susceptibility to, 1. Also called: Epilepsy, childhood absence 1. Identifiers: Orphanet 64280, MedGen C1838604, MONDO:0020759, OMIM 600131.

Allele frequency attached by ClinVar (database versions not stated): ExAC 0.00001; gnomAD exomes 0.00001; TOPMed 0.00002; gnomAD 0.00003.
gnomAD v4.1: 16 of 1,614,054 alleles (0.00099%); highest among the groups gnomAD compares: East Asian, 0.011%; no homozygotes.

Submissions (3):

Labcorp Genetics (formerly Invitae), Labcorp
Classification: Likely benign for Epilepsy, childhood absence, susceptibility to, 5; Epilepsy, childhood absence, susceptibility to, 1. Last evaluated: 2024-04-24. Review status: criteria provided, single submitter. Criteria: Invitae Variant Classification Sherloc (09022015). Collection method: clinical testing. Allele origin: germline.

GeneDx
Classification: Uncertain significance. Last evaluated: 2023-07-20. Review status: criteria provided, single submitter. Criteria: GeneDx Variant Classification Process June 2021. Collection method: clinical testing. Allele origin: germline. Affected: yes.
Comment: Reported previously as part of a complex allele with multiple variants in the 5' regulatory region of the GARBR3 gene in a child with autism; the patient's father who had autistic features and in his unaffected sibling also harbored the complex allele and this T186M variant (Chen et al., 2014); In silico analysis supports that this missense variant does not alter protein structure/function; This variant is associated with the following publications: (PMID: 24999380)

Fulgent Genetics
Classification: Uncertain significance for Epilepsy, childhood absence, susceptibility to, 5; Developmental and epileptic encephalopathy, 43. Last evaluated: 2018-10-31. Review status: criteria provided, single submitter. Criteria: ACMG Guidelines, 2015. Collection method: clinical testing. Allele origin: unknown.